The following is an entry in ClinVar:

NM_025257.3(SLC44A4):c.425C>T (p.Thr142Ile)

Gene: SLC44A4 (solute carrier family 44 member 4; minus strand). Cytogenetic location: 6p21.33.
Variant type: single nucleotide variant.
Coding change: c.425C>T on transcript NM_025257.3 (MANE Select); coding-DNA position 425, C replaced by T.
Protein change: p.Thr142Ile; replaces threonine 142 with isoleucine.
Molecular consequence: missense variant. On other transcripts: intron variant (1).
Genome position (GRCh38, 1-based): chr6:31,874,764, G>A on the plus strand (C>T on the coding strand, the complement: SLC44A4 is on the minus strand). VCF-style: chr6-31874764-G-A. GRCh37 (hg19) VCF-style: chr6-31842541-G-A.
Other names: c.342+165C>T (NM_001178044.2); c.197C>T, p.Thr66Ile (NM_001178045.2); short protein forms T66I, T142I.
Identifiers: ClinVar variation 3643447 (VCV003643447.2).

ClinVar aggregate classification (germline): Uncertain significance (1 of 4 stars; one submission).

Submission:

Labcorp Genetics (formerly Invitae), Labcorp
Classification: Uncertain significance. Last evaluated: 2025-02-06. Review status: criteria provided, single submitter. Criteria: Invitae Variant Classification Sherloc (09022015). Collection method: clinical testing. Allele origin: germline.
Comment: This sequence change replaces threonine, which is neutral and polar, with isoleucine, which is neutral and non-polar, at codon 142 of the SLC44A4 protein (p.Thr142Ile). This variant is not present in population databases (gnomAD no frequency). This variant has not been reported in the literature in individuals affected with SLC44A4-related conditions. An algorithm developed to predict the effect of missense changes on protein structure and function (PolyPhen-2) suggests that this variant is likely to be tolerated. In summary, the available evidence is currently insufficient to determine the role of this variant in disease. Therefore, it has been classified as a Variant of Uncertain Significance.